The following is an entry in ClinVar:

NM_000548.5(TSC2):c.1352_1353del (p.Arg451fs)

Gene: TSC2 (TSC complex subunit 2; plus strand). Cytogenetic location: 16p13.3.
Variant type: Microsatellite.
Coding change: c.1352_1353del on transcript NM_000548.5 (MANE Select); coding-DNA positions 1352 to 1353, 2 bases deleted (GA; older notation c.1352_1353delGA).
Protein change: p.Arg451fs; shifts the reading frame from arginine 451.
Molecular consequence: frameshift variant.
Genome position (GRCh38, 1-based): chr16:2,062,591-2,062,592, GA deleted; deleting any 2 consecutive bases within chr16:2,062,587-2,062,592 gives the same sequence; the c. name uses the placement nearest the transcript's 3' end. VCF-style (leftmost placement, unchanged base first): chr16-2062586-GGA-G. GRCh37 (hg19) VCF-style: chr16-2112587-GGA-G.
Other names: c.1352_1353del, p.Arg451fs (NM_001077183.3, NM_001114382.3, NM_001363528.2 and 3 more transcripts); c.1241_1242del, p.Arg414fs (NM_001318827.2); c.1205_1206del, p.Arg402fs (NM_001318829.2); c.752_753del, p.Arg251fs (NM_001318831.2); c.1385_1386del, p.Arg462fs (NM_001318832.2); short protein forms R402fs, R414fs, R251fs, R451fs, R462fs.
Identifiers: ClinVar variation 65109 (VCV000065109.4), dbSNP rs397515082, ClinGen allele CA014485.

ClinVar aggregate classification (germline): Pathogenic. Review status: criteria provided, multiple submitters, no conflicts (2 of 4 stars). 3 submissions from 3 submitters: Pathogenic (2). 1 of the submissions does not count toward it. Last evaluated 2024-05-20.

Conditions:
Tuberous sclerosis syndrome (TSC). Also called: Tuberous Sclerosis Complex; Tuberous sclerosis. Identifiers: Orphanet 805, MedGen C0041341, MONDO:0001734.
Tuberous sclerosis 2 (TSC2). Identifiers: Orphanet 805, MedGen C1860707, MONDO:0013199, OMIM 613254.

Submissions (3):

GeneDx
Classification: Pathogenic. Last evaluated: 2024-05-20. Review status: criteria provided, single submitter. Criteria: GeneDx Variant Classification Process June 2021. Collection method: clinical testing. Allele origin: germline.
Comment: Frameshift variant predicted to result in protein truncation or nonsense mediated decay in a gene for which loss of function is a known mechanism of disease; Not observed at significant frequency in large population cohorts (gnomAD); Has not been previously published as pathogenic or benign to our knowledge; This variant is associated with the following publications: (PMID: 15798777)

Labcorp Genetics (formerly Invitae), Labcorp
Classification: Pathogenic for Tuberous sclerosis 2. Last evaluated: 2018-11-20. Review status: criteria provided, single submitter. Criteria: Invitae Variant Classification Sherloc (09022015). Collection method: clinical testing. Allele origin: germline.
Comment: This sequence change creates a premature translational stop signal (p.Arg451Ilefs*30) in the TSC2 gene. It is expected to result in an absent or disrupted protein product. This variant is not present in population databases (ExAC no frequency). This variant has been reported in individuals affected with tuberous sclerosis complex in the Leiden Open-source Variation Database (PMID: 21520333). ClinVar contains an entry for this variant (Variation ID:Â¬â€ 65109). Loss-of-function variants in TSC2 are known to be pathogenic (PMID: 10205261, 17304050). For these reasons, this variant has been classified as Pathogenic.

Tuberous sclerosis database (TSC2)
No classification provided. Condition: TSC. Review status: no classification provided. Criteria: Tuberous Sclerosis Database Assertion Criteria 2015. Collection method: curation. Allele origin: germline. Affected: yes. Not counted in ClinVar's aggregate classification.

Literature cited by the submitters: PubMed 21520333 (cited by Labcorp Genetics (formerly Invitae), Labcorp).